The following is an entry in ClinVar:

NM_000169.3(GLA):c.454T>G (p.Tyr152Asp)

Genes: GLA (galactosidase alpha; minus strand), RPL36A-HNRNPH2 (RPL36A-HNRNPH2 readthrough; plus strand). Cytogenetic location: Xq22.1.
Variant type: single nucleotide variant.
Coding change: c.454T>G on transcript NM_000169.3 (MANE Select); coding-DNA position 454, T replaced by G.
Protein change: p.Tyr152Asp; replaces tyrosine 152 with aspartic acid.
Molecular consequence: missense variant. On other transcripts: non-coding transcript variant (3), intron variant (2).
Genome position (GRCh38, 1-based): chrX:101,401,725, A>C on the plus strand (T>G on the coding strand, the complement: GLA is on the minus strand). VCF-style: chrX-101401725-A-C. GRCh37 (hg19) VCF-style: chrX-100656713-A-C.
Other names: c.577T>G, p.Tyr193Asp (NM_001406747.1, NM_001406749.1); c.454T>G, p.Tyr152Asp (NM_001406748.1); c.300+6268A>C (NM_001199973.2); c.177+9903A>C (NM_001199974.2); short protein forms Y152D, Y193D.
Identifiers: ClinVar variation 1038401 (VCV001038401.9), dbSNP rs1928323615, ClinGen allele CA413929706.

ClinVar aggregate classification (germline): Likely pathogenic. Review status: criteria provided, multiple submitters, no conflicts (2 of 4 stars). 2 submissions from 2 submitters: Likely pathogenic (2). Last evaluated 2025-10-09.

Conditions:
Cardiovascular phenotype. Identifiers: MedGen CN230736.
Fabry disease. Also called: ALPHA-GALACTOSIDASE A DEFICIENCY; ANDERSON-FABRY DISEASE; CERAMIDE TRIHEXOSIDASE DEFICIENCY; GLA DEFICIENCY; HEREDITARY DYSTOPIC LIPIDOSIS; Fabry's disease. Identifiers: Orphanet 324, MedGen C0002986, MONDO:0010526, OMIM 301500, HP:0001071. Disease mechanism: Fabry disease is due to inactivating mutations in the X-linked GLA gene resulting in deficiency of the enzyme Alpha Galactosidase-A., loss of function.

Submissions (2):

Ambry Genetics
Classification: Likely pathogenic for Cardiovascular phenotype. Last evaluated: 2025-10-09. Review status: criteria provided, single submitter. Criteria: Ambry Variant Classification Scheme 2023. Collection method: clinical testing. Allele origin: germline.
Comment: The c.454T>G (p.Y152D) alteration is located in exon 3 (coding exon 3) of the GLA gene. This alteration results from a T to G substitution at nucleotide position 454, causing the tyrosine (Y) at amino acid position 152 to be replaced by an aspartic acid (D). This variant was not reported in population-based cohorts in the Genome Aggregation Database (gnomAD). This variant was reported in individual(s) with features consistent with Fabry disease (Dias, 2017; Braune, 2023; external communication). Other variants at the same codon, c.454T>C (p.Y152H), c.455A>C (p.Y152S), c.455A>G (p.Y152C), have been identified in individuals with features consistent with Fabry disease (Palecek, 2014; T&oslash;ndel, 2015; Battaglia, 2019; Delarosa-Rodr&iacute;guez, 2021; Levstek, 2021; Linhart, 2023; Lin, 2024; Kojo, 2025). Add the following citations to references: Dias F, et al. (2017) Braz J Surg Clin Res. 2017;18(3):68-70. Kojo K, et al. (2025) J Rural Med. 2025; 20(3):233&ndash;237. doi: 10.2185/jrm.2024-050. This amino acid position is highly conserved in available vertebrate species. This alteration is predicted to be deleterious by in silico analysis. Based on the available evidence, this alteration is classified as likely pathogenic.

Labcorp Genetics (formerly Invitae), Labcorp
Classification: Likely pathogenic for Fabry disease. Last evaluated: 2021-09-02. Review status: criteria provided, single submitter. Criteria: Invitae Variant Classification Sherloc (09022015). Collection method: clinical testing. Allele origin: germline.
Comment: In summary, the currently available evidence indicates that the variant is pathogenic, but additional data are needed to prove that conclusively. Therefore, this variant has been classified as Likely Pathogenic. This variant disrupts the p.Tyr152 amino acid residue in GLA. Other variant(s) that disrupt this residue have been observed in individuals with GLA-related conditions (PMID: 25531941, 30474596, 30477121), which suggests that this may be a clinically significant amino acid residue. This sequence change replaces tyrosine with aspartic acid at codon 152 of the GLA protein (p.Tyr152Asp). The tyrosine residue is highly conserved and there is a large physicochemical difference between tyrosine and aspartic acid. This variant is not present in population databases (ExAC no frequency). Algorithms developed to predict the effect of missense changes on protein structure and function (SIFT, PolyPhen-2, Align-GVGD) all suggest that this variant is likely to be disruptive. ClinVar contains an entry for this variant (Variation ID: 1038401). This variant has been observed in individual(s) with clinical features of Fabry disease (Invitae).

Literature cited by the submitters: PubMed 24173410 (cited by Ambry Genetics); PubMed 25531941 (cited by Ambry Genetics and Labcorp Genetics (formerly Invitae), Labcorp); PubMed 30474596 (cited by Ambry Genetics and Labcorp Genetics (formerly Invitae), Labcorp); PubMed 33527381 (cited by Ambry Genetics); PubMed 34356073 (cited by Ambry Genetics); PubMed 37865771 (cited by Ambry Genetics); PubMed 39225306 (cited by Ambry Genetics); PubMed 30477121 (cited by Labcorp Genetics (formerly Invitae), Labcorp).